The following is an entry in ClinVar:

NM_001384732.1(CPLANE1):c.3487dup (p.Gln1163fs)

Gene: CPLANE1 (ciliogenesis and planar polarity effector complex subunit 1; minus strand). Cytogenetic location: 5p13.2.
Variant type: Duplication.
Coding change: c.3487dup on transcript NM_001384732.1 (MANE Select); coding-DNA position 3487, one base duplicated (C; older notation c.3487dupC).
Protein change: p.Gln1163fs; shifts the reading frame from glutamine 1163.
Molecular consequence: frameshift variant.
Genome position (GRCh38, 1-based): chr5:37,201,611, G duplicated on the plus strand (C on the coding strand, the reverse complement: CPLANE1 is on the minus strand); the first of 4 consecutive G bases (chr5:37,201,611-37,201,614); duplicating any one gives the same sequence. VCF-style (leftmost placement, unchanged base first): chr5-37201610-T-TG. GRCh37 (hg19) VCF-style: chr5-37201712-T-TG.
Other names: c.3487dup, p.Gln1163fs (NM_023073.4); c.3487dupC (NM_023073.3); short protein forms Q1163fs.
Identifiers: ClinVar variation 817314 (VCV000817314.1), dbSNP rs1580686437, ClinGen allele CA915943347.
Genomic context (GRCh38, chr5:37,201,610, plus strand): 5'-TCAACTTTAAATTAATTTAAAAGTTAATGCTATAAGCTTACTTCACTAAGAATAGCTGGC[T>TG]GGGGACAGTACAATGGAGGAGCTGGAAGATACAAGCCGAATGGCACTAAGCCCCACAGTC-3'

ClinVar aggregate classification (germline): Likely pathogenic (1 of 4 stars; one submission).

Submission:

GeneDx
Classification: Likely pathogenic. Last evaluated: 2018-11-02. Review status: criteria provided, single submitter. Criteria: GeneDx Variant Classification (06012015). Collection method: clinical testing. Allele origin: germline. Affected: yes.
Comment: The c.3487dupC variant in the C5orf42 gene has not been reported previously as a pathogenic variant nor as a benign variant, to our knowledge. This variant causes a frameshift starting with codon Glutamine 1163, changes this amino acid to a Proline residue, and creates a premature Stop codon at position 6 of the new reading frame, denoted p.Gln1163ProfsX6. The c.3487dupC variant is predicted to cause loss of normal protein function either through protein truncation or nonsense-mediated mRNA decay. This variant is not observed in large population cohorts (Lek et al., 2016). We interpret c.3487dupC as a likely pathogenic variant.